The following is an entry in ClinVar:

NM_003119.4(SPG7):c.1728G>A (p.Ser576=)

Gene: SPG7 (SPG7 matrix AAA peptidase subunit, paraplegin; plus strand). Cytogenetic location: 16q24.3.
Variant type: single nucleotide variant.
Coding change: c.1728G>A on transcript NM_003119.4 (MANE Select); coding-DNA position 1728, G replaced by A.
Protein change: p.Ser576=; no amino-acid change (serine 576 retained).
Molecular consequence: synonymous variant.
Genome position (GRCh38, 1-based): chr16:89,550,558, G>A. VCF-style: chr16-89550558-G-A. GRCh37 (hg19) VCF-style: chr16-89616966-G-A.
Other names: p.Ser576=; c.1728G>A, p.Ser576= (NM_001363850.1).
Identifiers: ClinVar variation 1176363 (VCV001176363.46), dbSNP rs369686424, ClinGen allele CA8244373.

ClinVar aggregate classification (germline): Conflicting classifications of pathogenicity. Review status: criteria provided, conflicting classifications (1 of 4 stars). 5 submissions from 5 submitters: Uncertain significance (1); Likely benign (4). Last evaluated 2025-02-17.

Conditions:
Hereditary spastic paraplegia. Also called: Familial spastic paraparesis. Identifiers: Orphanet 685, MedGen C0037773, MONDO:0019064. Disease mechanism: loss of function.
Hereditary spastic paraplegia 7 (SPG7). Also called: Autosomal recessive spastic paraplegia type 7; Spastic paraplegia 7; Hereditary spastic paraplegia Paraplegin type; SPG7-related neurologic disorder; SPASTIC PARAPLEGIA 7, AUTOSOMAL RECESSIVE, WITH OR WITHOUT CEREBELLAR ATAXIA. Identifiers: Orphanet 99013, MedGen C1846564, MONDO:0011803, OMIM 607259.

Allele frequency attached by ClinVar (database versions not stated): gnomAD exomes 0.00005; ExAC 0.00007; ESP Exome Variant Server 0.00015; 1000 Genomes Project 0.00020; 1000 Genomes Project 30x 0.00031.
gnomAD v4.1: 125 of 1,614,006 alleles (0.0077%); highest among the groups gnomAD compares: Middle Eastern, 0.049%; no homozygotes.

Submissions (5):

Mayo Clinic Laboratories, Mayo Clinic
Classification: Likely benign. Last evaluated: 2025-02-17. Review status: criteria provided, single submitter. Criteria: ACMG Guidelines, 2015. Collection method: clinical testing. Allele origin: germline. Observed: 1 variant allele.
Comment: BP4, BP7

Blueprint Genetics
Classification: Likely benign. Last evaluated: 2024-10-22. Review status: criteria provided, single submitter. Criteria: ACMG Guidelines, 2015. Collection method: clinical testing. Allele origin: germline.

Labcorp Genetics (formerly Invitae), Labcorp
Classification: Likely benign for Hereditary spastic paraplegia 7. Last evaluated: 2024-10-15. Review status: criteria provided, single submitter. Criteria: Invitae Variant Classification Sherloc (09022015). Collection method: clinical testing. Allele origin: germline.

CeGaT Center for Human Genetics Tuebingen
Classification: Likely benign. Last evaluated: 2021-02-01. Review status: criteria provided, single submitter. Criteria: CeGaT Center For Human Genetics Tuebingen Variant Classification Criteria Version 2. Collection method: clinical testing. Allele origin: germline. Affected: yes. Observed: 1 variant allele.

Genome Diagnostics Laboratory, The Hospital for Sick Children
Classification: Uncertain significance for Hereditary spastic paraplegia. Last evaluated: 2017-06-23. Review status: criteria provided, single submitter. Criteria: ACMG Guidelines, 2015. Collection method: clinical testing. Allele origin: germline. Affected: yes.